The following is an entry in ClinVar:

ClinVar aggregate classification (germline): Uncertain significance. Review status: criteria provided, multiple submitters, no conflicts (2 of 4 stars). 2 submissions from 2 submitters: Uncertain significance (2). Last evaluated 2025-01-23.

Conditions:
Fanconi anemia complementation group J. Also called: BRIP1-Related Fanconi Anemia. Identifiers: Orphanet 84, MedGen C1836860, MONDO:0012187, OMIM 609054.
Familial cancer of breast. Also called: BREAST CANCER, FAMILIAL; Hereditary breast cancer; hereditary breast carcinoma. Identifiers: Orphanet 227535, MedGen C0346153, MONDO:0016419, OMIM 114480. Disease mechanism: loss of function.
Hereditary cancer-predisposing syndrome. Also called: Neoplastic Syndromes, Hereditary; Tumor predisposition; Hereditary Cancer Syndrome; Hereditary neoplastic syndrome. Identifiers: Orphanet 140162, MedGen C0027672, MeSH D009386, MONDO:0015356.

Submissions (2):

Labcorp Genetics (formerly Invitae), Labcorp
Classification: Uncertain significance for Familial cancer of breast; Fanconi anemia complementation group J. Last evaluated: 2025-01-23. Review status: criteria provided, single submitter. Criteria: Invitae Variant Classification Sherloc (09022015). Collection method: clinical testing. Allele origin: germline.
Comment: This sequence change replaces proline, which is neutral and non-polar, with leucine, which is neutral and non-polar, at codon 920 of the BRIP1 protein (p.Pro920Leu). This variant is not present in population databases (gnomAD no frequency). This variant has not been reported in the literature in individuals affected with BRIP1-related conditions. ClinVar contains an entry for this variant (Variation ID: 2934226). Invitae Evidence Modeling of protein sequence and biophysical properties (such as structural, functional, and spatial information, amino acid conservation, physicochemical variation, residue mobility, and thermodynamic stability) indicates that this missense variant is not expected to disrupt BRIP1 protein function with a negative predictive value of 95%. In summary, the available evidence is currently insufficient to determine the role of this variant in disease. Therefore, it has been classified as a Variant of Uncertain Significance.

Ambry Genetics
Classification: Uncertain significance for Hereditary cancer-predisposing syndrome. Last evaluated: 2024-06-18. Review status: criteria provided, single submitter. Criteria: Ambry Variant Classification Scheme 2023. Collection method: clinical testing. Allele origin: germline.
Comment: The p.P920L variant (also known as c.2759C>T), located in coding exon 18 of the BRIP1 gene, results from a C to T substitution at nucleotide position 2759. The proline at codon 920 is replaced by leucine, an amino acid with similar properties. This amino acid position is conserved. In addition, this alteration is predicted to be tolerated by in silico analysis. Based on the available evidence, the clinical significance of this variant remains unclear.

NM_032043.3(BRIP1):c.2759C>T (p.Pro920Leu)

Gene: BRIP1 (BRCA1 interacting DNA helicase 1; minus strand). Cytogenetic location: 17q23.2.
Variant type: single nucleotide variant.
Coding change: c.2759C>T on transcript NM_032043.3 (MANE Select); coding-DNA position 2759, C replaced by T.
Protein change: p.Pro920Leu; replaces proline 920 with leucine.
Molecular consequence: missense variant.
Genome position (GRCh38, 1-based): chr17:61,685,982, G>A on the plus strand (C>T on the coding strand, the complement: BRIP1 is on the minus strand). VCF-style: chr17-61685982-G-A. GRCh37 (hg19) VCF-style: chr17-59763343-G-A.
Other names: short protein forms P920L.
Identifiers: ClinVar variation 2934226 (VCV002934226.4), dbSNP rs2061355556, ClinGen allele CA400481592.
Genomic context (GRCh38, chr17:61,685,982, plus strand): 5'-TTTGCTTCATCTTCCACAAAATTTTCTGGTGATAGATGACTTGCTGCTTCCAGTAAATAA[G>A]GTGAGGTACTGTACTTTAAAGAGGTCACTTCAAGTGTAGACTCATTGTCCTGTATATTGG-3'
Protein context (NP_114432.2, residues 910-930): EVTSLKYSTS[Pro920Leu]YLLEAASHLS